The following is an entry in ClinVar:

NM_004525.3(LRP2):c.2409T>G (p.Ser803=)

Gene: LRP2 (LDL receptor related protein 2; minus strand). Cytogenetic location: 2q31.1.
Variant type: single nucleotide variant.
Coding change: c.2409T>G on transcript NM_004525.3 (MANE Select); coding-DNA position 2409, T replaced by G.
Protein change: p.Ser803=; no amino-acid change (serine 803 retained).
Molecular consequence: synonymous variant.
Genome position (GRCh38, 1-based): chr2:169,259,129, A>C on the plus strand (T>G on the coding strand, the complement: LRP2 is on the minus strand). VCF-style: chr2-169259129-A-C. GRCh37 (hg19) VCF-style: chr2-170115639-A-C.
Identifiers: ClinVar variation 893656 (VCV000893656.31), dbSNP rs544785940, ClinGen allele CA59921096.
Genomic context (GRCh38, chr2:169,259,129, plus strand): 5'-CTGAACTACTGTGCGTCTCGTTTTATCAGCTAGCCTCATGACACTGATACTCTTGTAATG[A>C]GAGTCTGTCCAATAGAGATTCTTTGAAATCCAATCAAAAGCCAAACTTTCAACATTTTCC-3'
Protein context (NP_004516.2, residues 793-813): WISKNLYWTD[Ser803=]HYKSISVMRL

ClinVar aggregate classification (germline): Conflicting classifications of pathogenicity. Review status: criteria provided, conflicting classifications (1 of 4 stars). 3 submissions from 3 submitters: Uncertain significance (1); Likely benign (2). Last evaluated 2024-05-06.

Conditions:
Donnai-Barrow syndrome. Also called: DBS/FOAR SYNDROME; FACIOOCULOACOUSTICORENAL SYNDROME. Identifiers: Orphanet 2143, MedGen C1857277, MONDO:0009104, OMIM 222448.

Allele frequency attached by ClinVar (database versions not stated): gnomAD exomes 0.00001 and 0.00002; gnomAD 0.00002; TOPMed 0.00002.
gnomAD v4.1: 38 of 1,613,266 alleles (0.0024%); highest among the groups gnomAD compares: Non-Finnish European, 0.0031%; no homozygotes.

Submissions (3):

Labcorp Genetics (formerly Invitae), Labcorp
Classification: Likely benign. Last evaluated: 2024-05-06. Review status: criteria provided, single submitter. Criteria: Invitae Variant Classification Sherloc (09022015). Collection method: clinical testing. Allele origin: germline.

CeGaT Center for Human Genetics Tuebingen
Classification: Likely benign. Last evaluated: 2022-05-01. Review status: criteria provided, single submitter. Criteria: CeGaT Center For Human Genetics Tuebingen Variant Classification Criteria Version 2. Collection method: clinical testing. Allele origin: germline. Affected: yes. Observed: 1 variant allele.
Comment: LRP2: BP4, BP7

Illumina Laboratory Services, Illumina
Classification: Uncertain significance for Donnai-Barrow syndrome. Last evaluated: 2018-03-02. Review status: criteria provided, single submitter. Criteria: ICSL Variant Classification Criteria 13 December 2019. Collection method: clinical testing. Allele origin: germline.